The following is an entry in ClinVar:

NC_000010.11:g.(?_43100459)_(43102629_?)del

Gene: RET (ret proto-oncogene; plus strand). Cytogenetic location: 10q11.21.
Variant type: Deletion.
Identifiers: ClinVar variation 417359 (VCV000417359.1).

ClinVar aggregate classification (germline): Uncertain significance (1 of 4 stars; one submission).

Conditions:
Multiple endocrine neoplasia, type 2 (MEN2). Identifiers: Orphanet 653, MedGen C4048306, MONDO:0019003. Disease mechanism: gain of function.

Submission:

Labcorp Genetics (formerly Invitae), Labcorp
Classification: Uncertain significance for Multiple endocrine neoplasia, type 2. Last evaluated: 2016-11-23. Review status: criteria provided, single submitter. Criteria: Invitae Variant Classification Sherloc (09022015). Collection method: clinical testing. Allele origin: germline.
Comment: This variant is a gross deletion of the genomic region encompassing exons 2-3 of the RET gene. This leads to an in-frame deletion, preserving the integrity of the reading frame. Gross deletion of exons 2-3 has not been reported in the literature in individuals with a RET-related disease. Experimental studies and prediction algorithms are not available for this variant, and the functional significance of the deleted amino acid is currently unknown. In summary, this variant is a novel in-frame deletion with uncertain impact on protein function. It has been classified as a Variant of Uncertain Significance.